The following is an entry in ClinVar:

ClinVar aggregate classification (germline): Benign/Likely benign. Review status: criteria provided, multiple submitters, no conflicts (2 of 4 stars). 4 submissions from 4 submitters: Benign (1); Likely benign (3). Last evaluated 2024-05-07.

Conditions:
Ataxia-telangiectasia syndrome (AT). Also called: Ataxia-telangiectasia, complementation group D; Cerebello-oculocutaneous telangiectasia; Immunodeficiency with ataxia telangiectasia; LOUIS-BAR SYNDROME; Ataxia-telangiectasia; AT, COMPLEMENTATION GROUP C. Identifiers: Orphanet 100, MedGen C0004135, MONDO:0008840, OMIM 208900.
Familial cancer of breast. Also called: BREAST CANCER, FAMILIAL; hereditary breast carcinoma; Hereditary breast cancer. Identifiers: Orphanet 227535, MedGen C0346153, MONDO:0016419, OMIM 114480. Disease mechanism: loss of function.
Hereditary cancer-predisposing syndrome. Also called: Tumor predisposition; Hereditary neoplastic syndrome; Neoplastic Syndromes, Hereditary; Hereditary Cancer Syndrome. Identifiers: Orphanet 140162, MedGen C0027672, MeSH D009386, MONDO:0015356.

Allele frequency attached by ClinVar (database versions not stated): ExAC 0.00001; TOPMed 0.00001.
gnomAD v4.1: 2 of 1,613,908 alleles (0.00012%); highest among the groups gnomAD compares: Non-Finnish European, 0.00017%; no homozygotes.

Submissions (4):

Myriad Genetics, Inc.
Classification: Benign for Familial cancer of breast. Last evaluated: 2024-05-07. Review status: criteria provided, single submitter. Criteria: Myriad Autosomal Dominant, Autosomal Recessive and X-Linked Classification Criteria (2023). Collection method: clinical testing. Allele origin: unknown.
Comment: This variant is considered benign. This variant is a silent/synonymous amino acid change and it is not expected to impact splicing.

Labcorp Genetics (formerly Invitae), Labcorp
Classification: Likely benign for Ataxia-telangiectasia syndrome. Last evaluated: 2024-04-29. Review status: criteria provided, single submitter. Criteria: Invitae Variant Classification Sherloc (09022015). Collection method: clinical testing. Allele origin: germline.

Ambry Genetics
Classification: Likely benign for Hereditary cancer-predisposing syndrome. Last evaluated: 2020-03-19. Review status: criteria provided, single submitter. Criteria: Ambry Variant Classification Scheme 2023. Collection method: clinical testing. Allele origin: germline.

Women's Health and Genetics/Laboratory Corporation of America, LabCorp
Classification: Likely benign. Last evaluated: 2019-10-31. Review status: criteria provided, single submitter. Criteria: LabCorp Variant Classification Summary - May 2015. Collection method: clinical testing. Allele origin: germline.

NM_000051.4(ATM):c.2058C>T (p.Leu686=)

Gene: ATM (ATM serine/threonine kinase; plus strand). Cytogenetic location: 11q22.3.
Variant type: single nucleotide variant.
Coding change: c.2058C>T on transcript NM_000051.4 (MANE Select); coding-DNA position 2058, C replaced by T.
Protein change: p.Leu686=; no amino-acid change (leucine 686 retained).
Molecular consequence: synonymous variant.
Genome position (GRCh38, 1-based): chr11:108,253,973, C>T. VCF-style: chr11-108253973-C-T. GRCh37 (hg19) VCF-style: chr11-108124700-C-T.
Other names: c.2058C>T, p.Leu686= (NM_001351834.2).
Identifiers: ClinVar variation 928966 (VCV000928966.13), dbSNP rs761397203, ClinGen allele CA6264921.